The following is an entry in ClinVar:

ClinVar aggregate classification (germline): Uncertain significance. Review status: criteria provided, multiple submitters, no conflicts (2 of 4 stars). 2 submissions from 2 submitters: Uncertain significance (2). Last evaluated 2026-06-11.

Conditions:
Cardiovascular phenotype. Identifiers: MedGen CN230736.
Hereditary cancer-predisposing syndrome. Also called: Hereditary neoplastic syndrome; Neoplastic Syndromes, Hereditary; Tumor predisposition; Hereditary Cancer Syndrome. Identifiers: Orphanet 140162, MedGen C0027672, MeSH D009386, MONDO:0015356.
Neurofibromatosis, type 1 (NF1). Also called: NEUROFIBROMATOSIS, TYPE I, SOMATIC; Neurofibromatosis, type I; VON RECKLINGHAUSEN DISEASE; Peripheral type neurofibromatosis. Identifiers: Orphanet 636, MedGen C0027831, MONDO:0018975, OMIM 162200. Disease mechanism: loss of function.

Submissions (2):

Ambry Genetics
Classification: Uncertain significance for Cardiovascular phenotype; Hereditary cancer-predisposing syndrome. Last evaluated: 2026-06-11. Review status: criteria provided, single submitter. Criteria: Ambry Variant Classification Scheme 2023. Collection method: clinical testing. Allele origin: germline.
Comment: The p.I558V variant (also known as c.1672A>G), located in coding exon 15 of the NF1 gene, results from an A to G substitution at nucleotide position 1672. The isoleucine at codon 558 is replaced by valine, an amino acid with highly similar properties. This amino acid position is highly conserved in available vertebrate species. In addition, this alteration is predicted to be tolerated by in silico analysis. Based on the available evidence, the clinical significance of this variant remains unclear.

Labcorp Genetics (formerly Invitae), Labcorp
Classification: Uncertain significance for Neurofibromatosis, type 1. Last evaluated: 2020-08-20. Review status: criteria provided, single submitter. Criteria: Invitae Variant Classification Sherloc (09022015). Collection method: clinical testing. Allele origin: germline.
Comment: In summary, the available evidence is currently insufficient to determine the role of this variant in disease. Therefore, it has been classified as a Variant of Uncertain Significance. Advanced modeling of protein sequence and biophysical properties (such as structural, functional, and spatial information, amino acid conservation, physicochemical variation, residue mobility, and thermodynamic stability) performed at Invitae indicates that this missense variant is not expected to disrupt NF1 protein function. This sequence change replaces isoleucine with valine at codon 558 of the NF1 protein (p.Ile558Val). The isoleucine residue is highly conserved and there is a small physicochemical difference between isoleucine and valine. This variant has not been reported in the literature in individuals with NF1-related conditions. This variant is not present in population databases (ExAC no frequency).

NM_001042492.3(NF1):c.1672A>G (p.Ile558Val)

Gene: NF1 (neurofibromin 1; plus strand). Cytogenetic location: 17q11.2.
Variant type: single nucleotide variant.
Coding change: c.1672A>G on transcript NM_001042492.3 (MANE Select); coding-DNA position 1672, A replaced by G.
Protein change: p.Ile558Val; replaces isoleucine 558 with valine.
Molecular consequence: missense variant.
Genome position (GRCh38, 1-based): chr17:31,221,880, A>G. VCF-style: chr17-31221880-A-G. GRCh37 (hg19) VCF-style: chr17-29548898-A-G.
Other names: c.1672A>G, p.Ile558Val (NM_000267.4, NM_001128147.3); short protein forms I558V.
Identifiers: ClinVar variation 1055849 (VCV001055849.6), dbSNP rs2066928417, ClinGen allele CA399002271.